The following is an entry in ClinVar:

ClinVar aggregate classification (germline): Uncertain significance. Review status: criteria provided, multiple submitters, no conflicts (2 of 4 stars). 2 submissions from 2 submitters: Uncertain significance (2). Last evaluated 2022-08-20.

Conditions:
Bardet-Biedl syndrome (BBS). Identifiers: Orphanet 110, MedGen C0752166, MONDO:0015229.

Allele frequency attached by ClinVar (database versions not stated): gnomAD exomes below 0.00001.
gnomAD v4.1: 1 of 1,614,120 alleles (0.000062%); highest among the groups gnomAD compares: Admixed American, 0.0017%; no homozygotes.

Submissions (2):

Labcorp Genetics (formerly Invitae), Labcorp
Classification: Uncertain significance for Bardet-Biedl syndrome. Last evaluated: 2022-08-20. Review status: criteria provided, single submitter. Criteria: Invitae Variant Classification Sherloc (09022015). Collection method: clinical testing. Allele origin: germline.
Comment: This sequence change replaces glutamic acid, which is acidic and polar, with aspartic acid, which is acidic and polar, at codon 385 of the TTC8 protein (p.Glu385Asp). This variant is present in population databases (no rsID available, gnomAD 0.003%). This variant has not been reported in the literature in individuals affected with TTC8-related conditions. ClinVar contains an entry for this variant (Variation ID: 1337941). Algorithms developed to predict the effect of missense changes on protein structure and function (SIFT, PolyPhen-2, Align-GVGD) all suggest that this variant is likely to be tolerated. In summary, the available evidence is currently insufficient to determine the role of this variant in disease. Therefore, it has been classified as a Variant of Uncertain Significance.

Genetic Services Laboratory, University of Chicago
Classification: Uncertain significance. Last evaluated: 2021-05-24. Review status: criteria provided, single submitter. Criteria: ACMG Guidelines, 2015. Collection method: clinical testing. Allele origin: germline. Affected: no.
Comment: DNA sequence analysis of the TTC8 gene demonstrated a sequence change, c.1155G>C, in exon 12 that results in an amino acid change, p.Glu385Asp. This sequence change has been described in gnomAD with a frequency of 0.0029% in the Latino sub-population (dbSNP rs1375783683). The p.Glu385Asp change affects a moderately conserved amino acid residue located in a domain of the TTC8 protein that is known to be functional. The p.Glu385Asp substitution appears to be tolerated using several in-silico pathogenicity prediction tools (SIFT, PolyPhen2, Align GVGD, REVEL). This sequence change does not appear to have been previously described in patients with TTC8-related disorders. Due to the lack of sufficient evidences, the clinical significance of the p.Glu385Asp change remains unknown at this time.

NM_144596.4(TTC8):c.1185G>C (p.Glu395Asp)

Gene: TTC8 (tetratricopeptide repeat domain 8; plus strand). Cytogenetic location: 14q31.3.
Variant type: single nucleotide variant.
Coding change: c.1185G>C on transcript NM_144596.4 (MANE Select); coding-DNA position 1185, G replaced by C.
Protein change: p.Glu395Asp; replaces glutamic acid 395 with aspartic acid.
Molecular consequence: missense variant. On other transcripts: non-coding transcript variant (1).
Genome position (GRCh38, 1-based): chr14:88,871,684, G>C. VCF-style: chr14-88871684-G-C. GRCh37 (hg19) VCF-style: chr14-89338028-G-C.
Other names: c.1233G>C, p.Glu411Asp (NM_001288781.1); c.591G>C, p.Glu197Asp (NM_001288782.1); c.468G>C, p.Glu156Asp (NM_001288783.1); c.1155G>C, p.Glu385Asp (NM_001366535.2, NM_198309.3); c.1065G>C, p.Glu355Asp (NM_001366536.2, NM_198310.3); short protein forms E156D, E197D, E355D, E385D, E395D, E411D.
Identifiers: ClinVar variation 1337941 (VCV001337941.13), dbSNP rs1375783683, ClinGen allele CA390552261.